The following is an entry in ClinVar:

NM_033026.6(PCLO):c.5972A>G (p.Gln1991Arg)

Gene: PCLO (piccolo presynaptic cytomatrix protein; minus strand). Cytogenetic location: 7q21.11.
Variant type: single nucleotide variant.
Coding change: c.5972A>G on transcript NM_033026.6 (MANE Select); coding-DNA position 5972, A replaced by G.
Protein change: p.Gln1991Arg; replaces glutamine 1991 with arginine.
Molecular consequence: missense variant.
Genome position (GRCh38, 1-based): chr7:82,954,981, T>C on the plus strand (A>G on the coding strand, the complement: PCLO is on the minus strand). VCF-style: chr7-82954981-T-C. GRCh37 (hg19) VCF-style: chr7-82584297-T-C.
Other names: c.5972A>G, p.Gln1991Arg (NM_014510.3); short protein forms Q1991R.
Identifiers: ClinVar variation 1417709 (VCV001417709.4), dbSNP rs753553978, ClinGen allele CA4320553.

ClinVar aggregate classification (germline): Uncertain significance (1 of 4 stars; one submission).

Allele frequency attached by ClinVar (database versions not stated): gnomAD exomes below 0.00001 and 0.00001; TOPMed below 0.00001; ExAC 0.00001.
gnomAD v4.1: 7 of 1,613,874 alleles (0.00043%); highest among the groups gnomAD compares: East Asian, 0.0067%; no homozygotes.

Submission:

Labcorp Genetics (formerly Invitae), Labcorp
Classification: Uncertain significance. Last evaluated: 2024-05-31. Review status: criteria provided, single submitter. Criteria: Invitae Variant Classification Sherloc (09022015). Collection method: clinical testing. Allele origin: germline.
Comment: This sequence change replaces glutamine, which is neutral and polar, with arginine, which is basic and polar, at codon 1991 of the PCLO protein (p.Gln1991Arg). This variant is present in population databases (rs753553978, gnomAD 0.006%). This variant has not been reported in the literature in individuals affected with PCLO-related conditions. ClinVar contains an entry for this variant (Variation ID: 1417709). Algorithms developed to predict the effect of missense changes on protein structure and function output the following: SIFT: "Not Available"; PolyPhen-2: "Not Available"; Align-GVGD: "Not Available". The arginine amino acid residue is found in multiple mammalian species, which suggests that this missense change does not adversely affect protein function. In summary, the available evidence is currently insufficient to determine the role of this variant in disease. Therefore, it has been classified as a Variant of Uncertain Significance.